The following is an entry in ClinVar:

ClinVar aggregate classification (germline): Benign/Likely benign. Review status: criteria provided, multiple submitters, no conflicts (2 of 4 stars). 3 submissions from 3 submitters: Benign (1); Likely benign (2). Last evaluated 2024-07-23.

Conditions:
Hereditary cancer-predisposing syndrome. Also called: Tumor predisposition; Hereditary neoplastic syndrome; Neoplastic Syndromes, Hereditary; Hereditary Cancer Syndrome. Identifiers: Orphanet 140162, MedGen C0027672, MeSH D009386, MONDO:0015356.
Familial cancer of breast. Also called: BREAST CANCER, FAMILIAL; hereditary breast carcinoma; Hereditary breast cancer. Identifiers: Orphanet 227535, MedGen C0346153, MONDO:0016419, OMIM 114480. Disease mechanism: loss of function.

Submissions (3):

Myriad Genetics, Inc.
Classification: Benign for Familial cancer of breast. Last evaluated: 2024-07-23. Review status: criteria provided, single submitter. Criteria: Myriad Autosomal Dominant, Autosomal Recessive and X-Linked Classification Criteria (2023). Collection method: clinical testing. Allele origin: unknown.
Comment: This variant is considered benign. This variant is a silent/synonymous amino acid change and it is not expected to impact splicing.

Labcorp Genetics (formerly Invitae), Labcorp
Classification: Likely benign for Familial cancer of breast. Last evaluated: 2024-02-17. Review status: criteria provided, single submitter. Criteria: Invitae Variant Classification Sherloc (09022015). Collection method: clinical testing. Allele origin: germline.

Ambry Genetics
Classification: Likely benign for Hereditary cancer-predisposing syndrome. Last evaluated: 2017-11-28. Review status: criteria provided, single submitter. Criteria: Ambry Variant Classification Scheme 2023. Collection method: clinical testing. Allele origin: germline.

NM_000465.4(BARD1):c.1005A>G (p.Arg335=)

Gene: BARD1 (BRCA1 associated RING domain 1; minus strand). Cytogenetic location: 2q35.
Variant type: single nucleotide variant.
Coding change: c.1005A>G on transcript NM_000465.4 (MANE Select); coding-DNA position 1005, A replaced by G.
Protein change: p.Arg335=; no amino-acid change (arginine 335 retained).
Molecular consequence: synonymous variant. On other transcripts: non-coding transcript variant (2), intron variant (3).
Genome position (GRCh38, 1-based): chr2:214,780,869, T>C on the plus strand (A>G on the coding strand, the complement: BARD1 is on the minus strand). VCF-style: chr2-214780869-T-C. GRCh37 (hg19) VCF-style: chr2-215645593-T-C.
Other names: c.948A>G, p.Arg316= (NM_001282543.2); c.159-28314A>G (NM_001282548.2); c.215+16192A>G (NM_001282545.2); c.364+11428A>G (NM_001282549.2).
Identifiers: ClinVar variation 664263 (VCV000664263.13), dbSNP rs1574818013, ClinGen allele CA431390798.